The following is an entry in ClinVar:

ClinVar aggregate classification (germline): Likely benign (0 of 4 stars; one submission).

Conditions:
SLC29A4-related disorder. Also called: SLC29A4-related condition.

Allele frequency attached by ClinVar (database versions not stated): ExAC 0.00005; ESP Exome Variant Server 0.00023.
gnomAD v4.1: 325 of 1,611,810 alleles (0.02%); highest among the groups gnomAD compares: Admixed American, 0.13%; 1 homozygote.

Submission:

PreventionGenetics, part of Exact Sciences
Classification: Likely benign for SLC29A4-related condition. Last evaluated: 2019-11-21. Review status: no assertion criteria provided. Collection method: clinical testing. Allele origin: germline.
Comment: This variant is classified as likely benign based on ACMG/AMP sequence variant interpretation guidelines (Richards et al. 2015 PMID: 25741868, with internal and published modifications).

NM_153247.4(SLC29A4):c.111G>A (p.Ala37=)

Gene: SLC29A4 (solute carrier family 29 member 4; plus strand). Cytogenetic location: 7p22.1.
Variant type: single nucleotide variant.
Coding change: c.111G>A on transcript NM_153247.4 (MANE Select); coding-DNA position 111, G replaced by A.
Protein change: p.Ala37=; no amino-acid change (alanine 37 retained).
Molecular consequence: synonymous variant.
Genome position (GRCh38, 1-based): chr7:5,287,927, G>A. VCF-style: chr7-5287927-G-A. GRCh37 (hg19) VCF-style: chr7-5327558-G-A.
Other names: c.111G>A, p.Ala37= (NM_001040661.3, NM_001300847.3).
Identifiers: ClinVar variation 3039412 (VCV003039412.2), dbSNP rs149488369, ClinGen allele CA4142170.